The following is an entry in ClinVar:

ClinVar aggregate classification (germline): Conflicting classifications of pathogenicity. Review status: criteria provided, conflicting classifications (1 of 4 stars). 8 submissions from 8 submitters: Uncertain significance (4); Likely benign (3). 1 of the submissions does not count toward it. Last evaluated 2026-01-28.

Conditions:
MAN2B1-related disorder. Also called: MAN2B1-related condition.
Deficiency of alpha-mannosidase (MANSA). Also called: Mannosidosis, alpha-, types I and II; LYSOSOMAL ALPHA-D-MANNOSIDASE DEFICIENCY; Alpha-Mannosidosis. Identifiers: Orphanet 61, MedGen C0024748, MONDO:0009561, OMIM 248500.

Allele frequency attached by ClinVar (database versions not stated): gnomAD 0.00005 and 0.00011; TOPMed 0.00012; 1000 Genomes Project 30x 0.00016; gnomAD exomes 0.00017 and 0.00038; 1000 Genomes Project 0.00020; ExAC 0.00047.
gnomAD v4.1: 257 of 1,613,658 alleles (0.016%); highest among the groups gnomAD compares: South Asian, 0.19%; 1 homozygote.

Submissions (8):

Labcorp Genetics (formerly Invitae), Labcorp
Classification: Likely benign for Deficiency of alpha-mannosidase. Last evaluated: 2026-01-28. Review status: criteria provided, single submitter. Criteria: Invitae Variant Classification Sherloc (09022015). Collection method: clinical testing. Allele origin: germline.

Blueprint Genetics
Classification: Likely benign. Last evaluated: 2024-04-09. Review status: criteria provided, single submitter. Criteria: ACMG Guidelines, 2015. Collection method: clinical testing. Allele origin: germline.

Mayo Clinic Laboratories, Mayo Clinic
Classification: Uncertain significance. Last evaluated: 2022-11-21. Review status: criteria provided, single submitter. Criteria: ACMG Guidelines, 2015. Collection method: clinical testing. Allele origin: germline. Observed: 1 variant allele.
Comment: BP4

CeGaT Center for Human Genetics Tuebingen
Classification: Likely benign. Last evaluated: 2022-10-01. Review status: criteria provided, single submitter. Criteria: CeGaT Center For Human Genetics Tuebingen Variant Classification Criteria Version 2. Collection method: clinical testing. Allele origin: germline. Affected: yes. Observed: 1 variant allele.
Comment: MAN2B1: BP4

Genome-Nilou Lab
Classification: Uncertain significance for Deficiency of alpha-mannosidase. Last evaluated: 2021-05-18. Review status: criteria provided, single submitter. Criteria: ACMG Guidelines, 2015. Collection method: clinical testing. Allele origin: germline. Affected: no.

GeneDx
Classification: Uncertain significance. Last evaluated: 2018-11-06. Review status: criteria provided, single submitter. Criteria: GeneDx Variant Classification (06012015). Collection method: clinical testing. Allele origin: germline. Affected: yes.
Comment: The R613Q variant in the MAN2B1 gene has not been reported previously as a pathogenic variant, nor as a benign variant, to our knowledge. Although not present in the homozygous state, this variant is observed in 37/16394 (0.22%) alleles from individuals of South Asian background in the ExAC dataset (Lek et al., 2016). The R613Q variant is a semi-conservative amino acid substitution, which may impact secondary protein structure as these residues differ in some properties. This substitution occurs at a position that is conserved in mammals. In silico analysis is inconsistent in its predictions as to whether or not the variant is damaging to the protein structure/function. We interpret R613Q as a variant of uncertain significance.

Illumina Laboratory Services, Illumina
Classification: Uncertain significance for Deficiency of alpha-mannosidase. Last evaluated: 2018-01-13. Review status: criteria provided, single submitter. Criteria: ICSL Variant Classification Criteria 13 December 2019. Collection method: clinical testing. Allele origin: germline.

PreventionGenetics, part of Exact Sciences
Classification: Likely benign for MAN2B1-related condition. Last evaluated: 2024-09-25. Review status: no assertion criteria provided. Collection method: clinical testing. Allele origin: germline. Not counted in ClinVar's aggregate classification.
Comment: This variant is classified as likely benign based on ACMG/AMP sequence variant interpretation guidelines (Richards et al. 2015 PMID: 25741868, with internal and published modifications).

NM_000528.4(MAN2B1):c.1838G>A (p.Arg613Gln)

Gene: MAN2B1 (mannosidase alpha class 2B member 1; minus strand). Cytogenetic location: 19p13.13.
Variant type: single nucleotide variant.
Coding change: c.1838G>A on transcript NM_000528.4 (MANE Select); coding-DNA position 1838, G replaced by A.
Protein change: p.Arg613Gln; replaces arginine 613 with glutamine.
Molecular consequence: missense variant.
Genome position (GRCh38, 1-based): chr19:12,652,453, C>T on the plus strand (G>A on the coding strand, the complement: MAN2B1 is on the minus strand). VCF-style: chr19-12652453-C-T. GRCh37 (hg19) VCF-style: chr19-12763267-C-T.
Other names: p.Arg613Gln; c.1835G>A, p.Arg612Gln (NM_001173498.2); short protein forms R613Q, R612Q.
Identifiers: ClinVar variation 450771 (VCV000450771.46), dbSNP rs543222535, ClinGen allele CA9226292.